The following is an entry in ClinVar:

ClinVar aggregate classification (germline): Benign/Likely benign. Review status: criteria provided, multiple submitters, no conflicts (2 of 4 stars). 3 submissions from 3 submitters: Benign (1); Likely benign (2). Last evaluated 2025-04-09.

Conditions:
Hereditary cancer-predisposing syndrome. Also called: Neoplastic Syndromes, Hereditary; Tumor predisposition; Hereditary Cancer Syndrome; Hereditary neoplastic syndrome. Identifiers: Orphanet 140162, MedGen C0027672, MeSH D009386, MONDO:0015356.
Cardiovascular phenotype. Identifiers: MedGen CN230736.
Neurofibromatosis, type 1 (NF1). Also called: VON RECKLINGHAUSEN DISEASE; NEUROFIBROMATOSIS, TYPE I, SOMATIC; Peripheral type neurofibromatosis; Neurofibromatosis, type I. Identifiers: Orphanet 636, MedGen C0027831, MONDO:0018975, OMIM 162200. Disease mechanism: loss of function.

Submissions (3):

Ambry Genetics
Classification: Likely benign for Cardiovascular phenotype; Hereditary cancer-predisposing syndrome. Last evaluated: 2025-04-09. Review status: criteria provided, single submitter. Criteria: Ambry Variant Classification Scheme 2023. Collection method: clinical testing. Allele origin: germline.

Labcorp Genetics (formerly Invitae), Labcorp
Classification: Benign for Neurofibromatosis, type 1. Last evaluated: 2025-02-03. Review status: criteria provided, single submitter. Criteria: Invitae Variant Classification Sherloc (09022015). Collection method: clinical testing. Allele origin: germline.

GeneDx
Classification: Likely benign. Last evaluated: 2018-03-23. Review status: criteria provided, single submitter. Criteria: GeneDx Variant Classification (06012015). Collection method: clinical testing. Allele origin: germline. Affected: yes.
Comment: This variant is considered likely benign or benign based on one or more of the following criteria: it is a conservative change, it occurs at a poorly conserved position in the protein, it is predicted to be benign by multiple in silico algorithms, and/or has population frequency not consistent with disease.

NM_001042492.3(NF1):c.5813-5dup

Gene: NF1 (neurofibromin 1; plus strand). Cytogenetic location: 17q11.2.
Variant type: Duplication.
Coding change: c.5813-5dup on transcript NM_001042492.3 (MANE Select); 5 bases into the intron before coding-DNA position 5813, one base duplicated (T; older notation c.5813-5dupT).
Molecular consequence: intron variant.
Genome position (GRCh38, 1-based): chr17:31,334,833, T duplicated; the last of 7 consecutive T bases (chr17:31,334,827-31,334,833); duplicating any one gives the same sequence. VCF-style (leftmost placement, unchanged base first): chr17-31334826-A-AT. GRCh37 (hg19) VCF-style: chr17-29661844-A-AT.
Other names: c.5750-5dup (NM_000267.4); c.5750-5dupT (NM_000267.3).
Identifiers: ClinVar variation 561779 (VCV000561779.6), dbSNP rs775451791, ClinGen allele CA8487268.